The following is an entry in ClinVar:

ClinVar aggregate classification (germline): Uncertain significance (1 of 4 stars; one submission).

Conditions:
CHARGE syndrome (CHARGE). Also called: Hittner Hirsch Kreh syndrome; CHARGE ASSOCIATION--COLOBOMA, HEART ANOMALY, CHOANAL ATRESIA, RETARDATION, GENITAL AND EAR ANOMALIES; Coloboma, heart anomaly, choanal atresia, retardation, genital and ear anomalies; CHARGE association; Hall-Hittner syndrome. Identifiers: Orphanet 138, MedGen C0265354, MONDO:0008965.

gnomAD v4.1: 2 of 1,599,628 alleles (0.00013%); highest among the groups gnomAD compares: Non-Finnish European, 0.00017%; no homozygotes.

Submission:

Labcorp Genetics (formerly Invitae), Labcorp
Classification: Uncertain significance for CHARGE syndrome. Last evaluated: 2024-04-03. Review status: criteria provided, single submitter. Criteria: Invitae Variant Classification Sherloc (09022015). Collection method: clinical testing. Allele origin: germline.
Comment: This sequence change replaces isoleucine, which is neutral and non-polar, with methionine, which is neutral and non-polar, at codon 1411 of the CHD7 protein (p.Ile1411Met). This variant is not present in population databases (gnomAD no frequency). This variant has not been reported in the literature in individuals affected with CHD7-related conditions. Advanced modeling of protein sequence and biophysical properties (such as structural, functional, and spatial information, amino acid conservation, physicochemical variation, residue mobility, and thermodynamic stability) has been performed at Invitae for this missense variant, however the output from this modeling did not meet the statistical confidence thresholds required to predict the impact of this variant on CHD7 protein function. In summary, the available evidence is currently insufficient to determine the role of this variant in disease. Therefore, it has been classified as a Variant of Uncertain Significance.

NM_017780.4(CHD7):c.4233C>G (p.Ile1411Met)

Gene: CHD7 (chromodomain helicase DNA binding protein 7; plus strand). Cytogenetic location: 8q12.2.
Variant type: single nucleotide variant.
Coding change: c.4233C>G on transcript NM_017780.4 (MANE Select); coding-DNA position 4233, C replaced by G.
Protein change: p.Ile1411Met; replaces isoleucine 1411 with methionine.
Molecular consequence: missense variant. On other transcripts: intron variant (1).
Genome position (GRCh38, 1-based): chr8:60,837,715, C>G. VCF-style: chr8-60837715-C-G. GRCh37 (hg19) VCF-style: chr8-61750274-C-G.
Other names: c.1717-24514C>G (NM_001316690.1); short protein forms I1411M.
Identifiers: ClinVar variation 3631074 (VCV003631074.2).